The following is an entry in ClinVar:

ClinVar aggregate classification (germline): Benign/Likely benign. Review status: criteria provided, multiple submitters, no conflicts (2 of 4 stars). 7 submissions from 7 submitters: Benign (1); Likely benign (5). 1 of the submissions does not count toward it. Last evaluated 2026-01-05.

Conditions:
Hereditary cancer-predisposing syndrome. Also called: Hereditary neoplastic syndrome; Neoplastic Syndromes, Hereditary; Tumor predisposition; Hereditary Cancer Syndrome. Identifiers: Orphanet 140162, MedGen C0027672, MeSH D009386, MONDO:0015356.
Familial cancer of breast. Also called: BREAST CANCER, FAMILIAL; Hereditary breast cancer; hereditary breast carcinoma. Identifiers: Orphanet 227535, MedGen C0346153, MONDO:0016419, OMIM 114480. Disease mechanism: loss of function.

Allele frequency attached by ClinVar (database versions not stated): gnomAD exomes 0.00001.
gnomAD v4.1: 9 of 1,613,768 alleles (0.00056%); highest among the groups gnomAD compares: East Asian, 0.02%; no homozygotes.

Submissions (7):

Labcorp Genetics (formerly Invitae), Labcorp
Classification: Likely benign for Familial cancer of breast. Last evaluated: 2026-01-05. Review status: criteria provided, single submitter. Criteria: Invitae Variant Classification Sherloc (09022015). Collection method: clinical testing. Allele origin: germline.

Quest Diagnostics Nichols Institute San Juan Capistrano
Classification: Likely benign. Last evaluated: 2025-08-21. Review status: criteria provided, single submitter. Criteria: Quest Diagnostics criteria. Collection method: clinical testing. Allele origin: unknown.

Myriad Genetics, Inc.
Classification: Benign for Familial cancer of breast. Last evaluated: 2025-01-13. Review status: criteria provided, single submitter. Criteria: Myriad Autosomal Dominant, Autosomal Recessive and X-Linked Classification Criteria (2023). Collection method: clinical testing. Allele origin: unknown.
Comment: This variant is considered benign. This variant is a silent/synonymous amino acid change and it is not expected to impact splicing.

GeneDx
Classification: Likely benign. Last evaluated: 2018-12-11. Review status: criteria provided, single submitter. Criteria: GeneDx Variant Classification Process June 2021. Collection method: clinical testing. Allele origin: germline. Affected: yes.

Color Diagnostics, LLC DBA Color Health
Classification: Likely benign for Hereditary cancer-predisposing syndrome. Last evaluated: 2018-04-23. Review status: criteria provided, single submitter. Criteria: ACMG Guidelines, 2015. Collection method: clinical testing. Allele origin: germline.

Ambry Genetics
Classification: Likely benign for Hereditary cancer-predisposing syndrome. Last evaluated: 2017-08-31. Review status: criteria provided, single submitter. Criteria: Ambry Variant Classification Scheme 2023. Collection method: clinical testing. Allele origin: germline.

Leiden Open Variation Database
Classification: Benign. Last evaluated: 2018-10-10. Review status: no assertion criteria provided. Collection method: curation. Allele origin: germline. Affected: yes. Not counted in ClinVar's aggregate classification.
Comment: Curators: Marc Tischkowitz, Arleen D. Auerbach. Submitter to LOVD: Yukihide Momozawa.

Literature cited by the submitters: PubMed 30287823 (cited by Quest Diagnostics Nichols Institute San Juan Capistrano and Leiden Open Variation Database).

NM_024675.4(PALB2):c.1033T>C (p.Leu345=)

Gene: PALB2 (partner and localizer of BRCA2; minus strand). Cytogenetic location: 16p12.2.
Variant type: single nucleotide variant.
Coding change: c.1033T>C on transcript NM_024675.4 (MANE Select); coding-DNA position 1033, T replaced by C.
Protein change: p.Leu345=; no amino-acid change (leucine 345 retained).
Molecular consequence: synonymous variant.
Genome position (GRCh38, 1-based): chr16:23,635,513, A>G on the plus strand (T>C on the coding strand, the complement: PALB2 is on the minus strand). VCF-style: chr16-23635513-A-G. GRCh37 (hg19) VCF-style: chr16-23646834-A-G.
Identifiers: ClinVar variation 184305 (VCV000184305.25), dbSNP rs786201393, ClinGen allele CA188552.